The following is an entry in ClinVar:

ClinVar aggregate classification (germline): Conflicting classifications of pathogenicity. Review status: criteria provided, conflicting classifications (1 of 4 stars). 5 submissions from 5 submitters: Uncertain significance (4); Likely benign (1). Last evaluated 2025-06-04.

Conditions:
Hereditary cancer-predisposing syndrome. Also called: Hereditary Cancer Syndrome; Hereditary neoplastic syndrome; Neoplastic Syndromes, Hereditary; Tumor predisposition. Identifiers: Orphanet 140162, MedGen C0027672, MeSH D009386, MONDO:0015356.
Hereditary breast ovarian cancer syndrome. Also called: Hereditary breast and ovarian cancer; Breast and ovarian cancer; Hereditary breast and ovarian cancer syndrome; Hereditary breast and/or ovarian cancer syndrome; BRCA1- and BRCA2-Associated Hereditary Breast and Ovarian Cancer; Hereditary breast and ovarian cancer syndrome (HBOC). Identifiers: Orphanet 145, MedGen C0677776, MeSH D061325, MONDO:0003582. Disease mechanism: loss of function.

gnomAD v4.1: 13 of 1,589,534 alleles (0.00082%); highest among the groups gnomAD compares: Non-Finnish European, 0.0011%; no homozygotes.

Submissions (5):

Color Diagnostics, LLC DBA Color Health
Classification: Uncertain significance for Hereditary cancer-predisposing syndrome. Last evaluated: 2025-06-04. Review status: criteria provided, single submitter. Criteria: ACMG Guidelines, 2015. Collection method: clinical testing. Allele origin: germline.
Comment: This missense variant replaces leucine with valine at codon 2155 of the BRCA2 protein. Computational prediction suggests that this variant may not impact protein structure and function. To our knowledge, functional studies have not been reported for this variant. This variant has been detected in a breast cancer case-control meta-analysis in 2/60466 cases and 0/53461 unaffected individuals (PMID: 33471991Leiden Open Variation Database DB-ID BRCA2_007420) and in an individual affected with breast cancer (PMID: 25503501). This variant has not been identified in the general population by the Genome Aggregation Database (gnomAD). The available evidence is insufficient to determine the role of this variant in disease conclusively. Therefore, this variant is classified as a Variant of Uncertain Significance.

Ambry Genetics
Classification: Uncertain significance for Hereditary cancer-predisposing syndrome. Last evaluated: 2024-11-15. Review status: criteria provided, single submitter. Criteria: Ambry Variant Classification Scheme 2023. Collection method: clinical testing. Allele origin: germline.
Comment: The p.L2155V variant (also known as c.6463C>G), located in coding exon 10 of the BRCA2 gene, results from a C to G substitution at nucleotide position 6463. The leucine at codon 2155 is replaced by valine, an amino acid with highly similar properties. This alteration was previously reported in 1/278 individuals with early-onset breast cancer (Maxwell KN et al. Genet. Med., 2015 Aug;17:630-8). This amino acid position is not well conserved in available vertebrate species. In addition, this alteration is predicted to be tolerated by in silico analysis. Based on the available evidence, the clinical significance of this variant remains unclear.

University of Washington Department of Laboratory Medicine, University of Washington
Classification: Likely benign for Hereditary cancer-predisposing syndrome. Last evaluated: 2023-03-23. Review status: criteria provided, single submitter. Criteria: Dines et al. (Genet Med. 2020). Collection method: curation. Allele origin: germline.
Comment: Missense variant in a coldspot region where missense variants are very unlikely to be pathogenic (PMID:31911673).

BRCA2 exon 11 coldspot. Reclassification based on statistical prior probability.

Labcorp Genetics (formerly Invitae), Labcorp
Classification: Uncertain significance for Hereditary breast ovarian cancer syndrome. Last evaluated: 2022-06-25. Review status: criteria provided, single submitter. Criteria: Invitae Variant Classification Sherloc (09022015). Collection method: clinical testing. Allele origin: germline.
Comment: This sequence change replaces leucine, which is neutral and non-polar, with valine, which is neutral and non-polar, at codon 2155 of the BRCA2 protein (p.Leu2155Val). In summary, the available evidence is currently insufficient to determine the role of this variant in disease. Therefore, it has been classified as a Variant of Uncertain Significance. Advanced modeling of protein sequence and biophysical properties (such as structural, functional, and spatial information, amino acid conservation, physicochemical variation, residue mobility, and thermodynamic stability) performed at Invitae indicates that this missense variant is not expected to disrupt BRCA2 protein function. ClinVar contains an entry for this variant (Variation ID: 441422). This variant has not been reported in the literature in individuals affected with BRCA2-related conditions. This variant is not present in population databases (gnomAD no frequency).

GeneDx
Classification: Uncertain significance. Last evaluated: 2022-02-04. Review status: criteria provided, single submitter. Criteria: GeneDx Variant Classification Process June 2021. Collection method: clinical testing. Allele origin: germline. Affected: yes.
Comment: Identified in an individual with early-onset breast cancer (Maxwell et al., 2015); Not observed at significant frequency in large population cohorts (gnomAD); In silico analysis supports that this missense variant does not alter protein structure/function; Also known as 6691C>G; This variant is associated with the following publications: (PMID: 25503501)

Literature cited by the submitters: PubMed 25503501 (cited by Color Diagnostics, LLC DBA Color Health and Ambry Genetics); PubMed 33471991 (cited by Color Diagnostics, LLC DBA Color Health).

NM_000059.4(BRCA2):c.6463C>G (p.Leu2155Val)

Gene: BRCA2 (BRCA2 DNA repair associated; plus strand). Cytogenetic location: 13q13.1.
Variant type: single nucleotide variant.
Coding change: c.6463C>G on transcript NM_000059.4 (MANE Select); coding-DNA position 6463, C replaced by G.
Protein change: p.Leu2155Val; replaces leucine 2155 with valine.
Molecular consequence: missense variant.
Genome position (GRCh38, 1-based): chr13:32,340,818, C>G. VCF-style: chr13-32340818-C-G. GRCh37 (hg19) VCF-style: chr13-32914955-C-G.
Other names: short protein forms L2155V.
Identifiers: ClinVar variation 441422 (VCV000441422.19), dbSNP rs775035051, ClinGen allele CA387789372.